The following is an entry in ClinVar:

ClinVar aggregate classification (germline): Uncertain significance (1 of 4 stars; one submission).

Conditions:
Congenital myasthenic syndrome 8. Also called: MYASTHENIC SYNDROME, CONGENITAL, DUE TO AGRIN DEFICIENCY; Myasthenic syndrome, congenital, 8, with pre- and postsynaptic defects. Identifiers: Orphanet 590, MedGen C3808739, MONDO:0014052, OMIM 615120.

Allele frequency attached by ClinVar (database versions not stated): TOPMed 0.00001.

Submission:

Labcorp Genetics (formerly Invitae), Labcorp
Classification: Uncertain significance for Congenital myasthenic syndrome 8. Last evaluated: 2022-08-21. Review status: criteria provided, single submitter. Criteria: Invitae Variant Classification Sherloc (09022015). Collection method: clinical testing. Allele origin: germline.
Comment: This sequence change replaces valine, which is neutral and non-polar, with methionine, which is neutral and non-polar, at codon 986 of the AGRN protein (p.Val986Met). This variant is not present in population databases (gnomAD no frequency). This variant has not been reported in the literature in individuals affected with AGRN-related conditions. Algorithms developed to predict the effect of missense changes on protein structure and function are either unavailable or do not agree on the potential impact of this missense change (SIFT: "Tolerated"; PolyPhen-2: "Possibly Damaging"; Align-GVGD: "Class C0"). In summary, the available evidence is currently insufficient to determine the role of this variant in disease. Therefore, it has been classified as a Variant of Uncertain Significance.

NM_198576.4(AGRN):c.2956G>A (p.Val986Met)

Gene: AGRN (agrin; plus strand). Cytogenetic location: 1p36.33.
Variant type: single nucleotide variant.
Coding change: c.2956G>A on transcript NM_198576.4 (MANE Select); coding-DNA position 2956, G replaced by A.
Protein change: p.Val986Met; replaces valine 986 with methionine.
Molecular consequence: missense variant.
Genome position (GRCh38, 1-based): chr1:1,046,441, G>A. VCF-style: chr1-1046441-G-A. GRCh37 (hg19) VCF-style: chr1-981821-G-A.
Other names: c.2956G>A, p.Val986Met (NM_001305275.2); c.2641G>A, p.Val881Met (NM_001364727.2); short protein forms V986M, V881M.
Identifiers: ClinVar variation 2083236 (VCV002083236.1), dbSNP rs1406680946, ClinGen allele CA337845173.
Genomic context (GRCh38, chr1:1,046,441, plus strand): 5'-CTCCCTCTCCTTGCAGAGGCTGTTGCTCCCAGCACTCACCCGACATCTGCCTCCGTGACT[G>A]TGACCACCCCAGGGCTCCTCCTGAGCCAGGCACTGCCGGCCCCCCCCGGCGCCCTCCCCC-3'
Protein context (NP_940978.2, residues 976-996): STHPTSASVT[Val986Met]TTPGLLLSQA